The following is an entry in ClinVar:

NM_000051.4(ATM):c.5887G>C (p.Asp1963His)

Genes: ATM (ATM serine/threonine kinase; plus strand), C11orf65 (chromosome 11 open reading frame 65; minus strand). Cytogenetic location: 11q22.3.
Variant type: single nucleotide variant.
Coding change: c.5887G>C on transcript NM_000051.4 (MANE Select); coding-DNA position 5887, G replaced by C.
Protein change: p.Asp1963His; replaces aspartic acid 1963 with histidine.
Molecular consequence: missense variant. On other transcripts: intron variant (2).
Genome position (GRCh38, 1-based): chr11:108,310,284, G>C. VCF-style: chr11-108310284-G-C. GRCh37 (hg19) VCF-style: chr11-108181011-G-C.
Other names: c.5887G>C, p.Asp1963His (NM_001351834.2); c.641-1213C>G (NM_001330368.2); c.*39-1213C>G (NM_001351110.2); short protein forms D1963H.
Identifiers: ClinVar variation 1517253 (VCV001517253.10), dbSNP rs864622148, ClinGen allele CA382548537.
Genomic context (GRCh38, chr11:108,310,284, plus strand): 5'-AAGGTAGCTCAGTCTTGTGCTGCTCACTTTACAGCTTTACTCTATGCAGAAATCTATGCA[G>C]ATAAGAAAAGTATGGATGATCAAGAGAAAAGGTAATGGAATTTAGAATTTTTGGTTTTTA-3'
Protein context (NP_000042.3, residues 1953-1973): TALLYAEIYA[Asp1963His]KKSMDDQEKR

ClinVar aggregate classification (germline): Uncertain significance. Review status: criteria provided, multiple submitters, no conflicts (2 of 4 stars). 2 submissions from 2 submitters: Uncertain significance (2). Last evaluated 2021-09-19.

Conditions:
Hereditary cancer-predisposing syndrome. Also called: Neoplastic Syndromes, Hereditary; Tumor predisposition; Hereditary Cancer Syndrome; Hereditary neoplastic syndrome. Identifiers: Orphanet 140162, MedGen C0027672, MeSH D009386, MONDO:0015356.
Ataxia-telangiectasia syndrome (AT). Also called: LOUIS-BAR SYNDROME; Cerebello-oculocutaneous telangiectasia; Immunodeficiency with ataxia telangiectasia; Ataxia telangiectasia (A-T); Ataxia-telangiectasia, complementation group D; AT, COMPLEMENTATION GROUP C. Identifiers: Orphanet 100, MedGen C0004135, MONDO:0008840, OMIM 208900.

gnomAD v4.1: 1 of 1,613,458 alleles (0.000062%); highest among the groups gnomAD compares: Non-Finnish European, 0.000085%; no homozygotes.

Submissions (2):

Ambry Genetics
Classification: Uncertain significance for Hereditary cancer-predisposing syndrome. Last evaluated: 2021-09-19. Review status: criteria provided, single submitter. Criteria: Ambry Variant Classification Scheme 2023. Collection method: clinical testing. Allele origin: germline.
Comment: The p.D1963H variant (also known as c.5887G>C), located in coding exon 38 of the ATM gene, results from a G to C substitution at nucleotide position 5887. The aspartic acid at codon 1963 is replaced by histidine, an amino acid with similar properties. This amino acid position is conserved. In addition, the in silico prediction for this alteration is inconclusive. Since supporting evidence is limited at this time, the clinical significance of this alteration remains unclear.

Labcorp Genetics (formerly Invitae), Labcorp
Classification: Uncertain significance for Ataxia-telangiectasia syndrome. Last evaluated: 2021-03-17. Review status: criteria provided, single submitter. Criteria: Invitae Variant Classification Sherloc (09022015). Collection method: clinical testing. Allele origin: germline.
Comment: In summary, the available evidence is currently insufficient to determine the role of this variant in disease. Therefore, it has been classified as a Variant of Uncertain Significance. Advanced modeling of protein sequence and biophysical properties (such as structural, functional, and spatial information, amino acid conservation, physicochemical variation, residue mobility, and thermodynamic stability) performed at Invitae indicates that this missense variant is not expected to disrupt ATM protein function. This variant has not been reported in the literature in individuals with ATM-related conditions. This variant is not present in population databases (ExAC no frequency). This sequence change replaces aspartic acid with histidine at codon 1963 of the ATM protein (p.Asp1963His). The aspartic acid residue is moderately conserved and there is a moderate physicochemical difference between aspartic acid and histidine.